The following is an entry in ClinVar:

NM_020549.5(CHAT):c.1811T>A (p.Ile604Asn)

Gene: CHAT (choline O-acetyltransferase; plus strand). Cytogenetic location: 10q11.23.
Variant type: single nucleotide variant.
Coding change: c.1811T>A on transcript NM_020549.5 (MANE Select); coding-DNA position 1811, T replaced by A.
Protein change: p.Ile604Asn; replaces isoleucine 604 with asparagine.
Molecular consequence: missense variant.
Genome position (GRCh38, 1-based): chr10:49,655,420, T>A. VCF-style: chr10-49655420-T-A. GRCh37 (hg19) VCF-style: chr10-50863466-T-A.
Other names: c.1811T>A (NM_020549.4); c.1457T>A, p.Ile486Asn (NM_001142929.2, NM_001142934.2, NM_020984.4 and 2 more transcripts); c.1565T>A, p.Ile522Asn (NM_001142933.2); short protein forms I486N, I522N, I604N.
Identifiers: ClinVar variation 1062587 (VCV001062587.12), dbSNP rs1178039732, ClinGen allele CA376748724.

ClinVar aggregate classification (germline): Uncertain significance. Review status: criteria provided, multiple submitters, no conflicts (2 of 4 stars). 3 submissions from 3 submitters: Uncertain significance (3). Last evaluated 2021-10-26.

Conditions:
Inborn genetic diseases. Identifiers: MedGen C0950123, MeSH D030342.
Familial infantile myasthenia (CMS6). Also called: Congenital myasthenic syndrome type 6; MYASTHENIC SYNDROME, PRESYNAPTIC, CONGENITAL, ASSOCIATED WITH EPISODIC APNEA; MYASTHENIC SYNDROME, CONGENITAL, 6, PRESYNAPTIC. Identifiers: Orphanet 590, MedGen C0393929, MONDO:0009689, OMIM 254210.

Allele frequency attached by ClinVar (database versions not stated): gnomAD exomes below 0.00001; gnomAD 0.00001; TOPMed 0.00001.
gnomAD v4.1: 5 of 1,614,002 alleles (0.00031%); highest among the groups gnomAD compares: Non-Finnish European, 0.00034%; no homozygotes.

Submissions (3):

Ambry Genetics
Classification: Uncertain significance for Inborn genetic diseases. Last evaluated: 2021-10-26. Review status: criteria provided, single submitter. Criteria: Ambry Variant Classification Scheme 2023. Collection method: clinical testing. Allele origin: germline.

Labcorp Genetics (formerly Invitae), Labcorp
Classification: Uncertain significance for Familial infantile myasthenia. Last evaluated: 2020-04-08. Review status: criteria provided, single submitter. Criteria: Invitae Variant Classification Sherloc (09022015). Collection method: clinical testing. Allele origin: germline.
Comment: This variant has not been reported in the literature in individuals with CHAT-related conditions. This variant is not present in population databases (ExAC no frequency). In summary, the available evidence is currently insufficient to determine the role of this variant in disease. Therefore, it has been classified as a Variant of Uncertain Significance. Algorithms developed to predict the effect of missense changes on protein structure and function are either unavailable or do not agree on the potential impact of this missense change (SIFT: "Deleterious"; PolyPhen-2: "Probably Damaging"; Align-GVGD: "Class C15"). This sequence change replaces isoleucine with asparagine at codon 604 of the CHAT protein (p.Ile604Asn). The isoleucine residue is moderately conserved and there is a large physicochemical difference between isoleucine and asparagine.

Revvity Omics, Revvity
Classification: Uncertain significance for Familial infantile myasthenia. Last evaluated: 2019-09-28. Review status: criteria provided, single submitter. Criteria: ACMG Guidelines, 2015. Collection method: clinical testing. Allele origin: germline.